The following is an entry in ClinVar:

ClinVar aggregate classification (germline): Uncertain significance. Review status: criteria provided, multiple submitters, no conflicts (2 of 4 stars). 2 submissions from 2 submitters: Uncertain significance (2). Last evaluated 2025-08-16.

Allele frequency attached by ClinVar (database versions not stated): gnomAD exomes 0.00003 and 0.00004; gnomAD 0.00001; ESP Exome Variant Server 0.00008; ExAC 0.00002; TOPMed 0.00004.
gnomAD v4.1: 54 of 1,614,076 alleles (0.0033%); highest among the groups gnomAD compares: Non-Finnish European, 0.0043%; no homozygotes.

Submissions (2):

GeneDx
Classification: Uncertain significance. Last evaluated: 2025-08-16. Review status: criteria provided, single submitter. Criteria: GeneDx Variant Classification Process June 2021. Collection method: clinical testing. Allele origin: germline.
Comment: Not observed at significant frequency in large population cohorts (gnomAD); In silico analysis supports that this missense variant has a deleterious effect on protein structure/function; Has not been previously published as pathogenic or benign to our knowledge

Labcorp Genetics (formerly Invitae), Labcorp
Classification: Uncertain significance. Last evaluated: 2022-07-12. Review status: criteria provided, single submitter. Criteria: Invitae Variant Classification Sherloc (09022015). Collection method: clinical testing. Allele origin: germline.
Comment: This sequence change replaces asparagine, which is neutral and polar, with lysine, which is basic and polar, at codon 441 of the WDR62 protein (p.Asn441Lys). This variant is present in population databases (rs373959646, gnomAD 0.004%). This variant has not been reported in the literature in individuals affected with WDR62-related conditions. ClinVar contains an entry for this variant (Variation ID: 1400772). Algorithms developed to predict the effect of missense changes on protein structure and function are either unavailable or do not agree on the potential impact of this missense change (SIFT: "Deleterious"; PolyPhen-2: "Probably Damaging"; Align-GVGD: "Class C0"). Algorithms developed to predict the effect of sequence changes on RNA splicing suggest that this variant may create or strengthen a splice site. In summary, the available evidence is currently insufficient to determine the role of this variant in disease. Therefore, it has been classified as a Variant of Uncertain Significance.

NM_001083961.2(WDR62):c.1323C>G (p.Asn441Lys)

Gene: WDR62 (WD repeat domain 62; plus strand). Cytogenetic location: 19q13.12.
Variant type: single nucleotide variant.
Coding change: c.1323C>G on transcript NM_001083961.2 (MANE Select); coding-DNA position 1323, C replaced by G.
Protein change: p.Asn441Lys; replaces asparagine 441 with lysine.
Molecular consequence: missense variant.
Genome position (GRCh38, 1-based): chr19:36,081,522, C>G. VCF-style: chr19-36081522-C-G. GRCh37 (hg19) VCF-style: chr19-36572424-C-G.
Other names: c.1323C>G (NM_001083961.1); c.1323C>G, p.Asn441Lys (NM_173636.5); short protein forms N441K.
Identifiers: ClinVar variation 1400772 (VCV001400772.7), dbSNP rs373959646, ClinGen allele CA9395562.